The following is an entry in ClinVar:

ClinVar aggregate classification (germline): Uncertain significance (1 of 4 stars; one submission).

Conditions:
Autosomal dominant limb-girdle muscular dystrophy type 1G (LGMDD3). Also called: Limb-girdle muscular dystrophy, type 1G; MUSCULAR DYSTROPHY, LIMB-GIRDLE, AUTOSOMAL DOMINANT 3. Identifiers: Orphanet 55596, MedGen C1836765, MONDO:0012193, OMIM 609115.

Submission:

Labcorp Genetics (formerly Invitae), Labcorp
Classification: Uncertain significance for Autosomal dominant limb-girdle muscular dystrophy type 1G. Last evaluated: 2025-03-12. Review status: criteria provided, single submitter. Criteria: Invitae Variant Classification Sherloc (09022015). Collection method: clinical testing. Allele origin: germline.
Comment: This sequence change replaces alanine, which is neutral and non-polar, with glycine, which is neutral and non-polar, at codon 99 of the HNRNPDL protein (p.Ala99Gly). This variant is not present in population databases (gnomAD no frequency). This variant has not been reported in the literature in individuals affected with HNRNPDL-related conditions. An algorithm developed to predict the effect of missense changes on protein structure and function (PolyPhen-2) suggests that this variant is likely to be tolerated. In summary, the available evidence is currently insufficient to determine the role of this variant in disease. Therefore, it has been classified as a Variant of Uncertain Significance.

NM_031372.4(HNRNPDL):c.296C>G (p.Ala99Gly)

Gene: HNRNPDL (heterogeneous nuclear ribonucleoprotein D like; minus strand). Cytogenetic location: 4q21.22.
Variant type: single nucleotide variant.
Coding change: c.296C>G on transcript NM_031372.4 (MANE Select); coding-DNA position 296, C replaced by G.
Protein change: p.Ala99Gly; replaces alanine 99 with glycine.
Molecular consequence: missense variant. On other transcripts: non-coding transcript variant (1).
Genome position (GRCh38, 1-based): chr4:82,429,395, G>C on the plus strand (C>G on the coding strand, the complement: HNRNPDL is on the minus strand). VCF-style: chr4-82429395-G-C. GRCh37 (hg19) VCF-style: chr4-83350548-G-C.
Other names: c.296C>G, p.Ala99Gly (NM_001207000.1); short protein forms A99G.
Identifiers: ClinVar variation 4798875 (VCV004798875.1).
Genomic context (GRCh38, chr4:82,429,395, plus strand): 5'-GTGACGGAGCTGTCGGCAGGGGGGTGCTGGCGCGCAGTCCGGGTCGCGGCAGCAGCGGCG[G>C]CGGAGCGTTGTATGGAGCTGGATTTAAAATGGCGGCGGAAGAGATCCGGGCGCCGCCTGC-3'
Protein context (NP_112740.1, residues 89-109): HFKSSSIQRS[Ala99Gly]AAAAATRTAR